The following is an entry in ClinVar:

ClinVar aggregate classification (germline): Pathogenic (1 of 4 stars; one submission).

Conditions:
Primary ciliary dyskinesia 3. Identifiers: Orphanet 244, MedGen C1837618, MONDO:0012085, OMIM 608644.

Submission:

Myriad Genetics, Inc.
Classification: Pathogenic for Primary ciliary dyskinesia 3. Last evaluated: 2024-05-14. Review status: criteria provided, single submitter. Criteria: Myriad Autosomal Dominant, Autosomal Recessive and X-Linked Classification Criteria (2023). Collection method: clinical testing. Allele origin: unknown.
Comment: NM_001369.2(DNAH5):c.9823_9824ins19(K3275Rfs*4) is expected to be pathogenic in the context of primary ciliary dyskinesia, DNAH5-related. This variant is predicted to lead to an abnormal or absent protein product due to the creation of a premature termination codon in DNAH5, a gene where loss-of-function variants are known to be pathogenic. Please note: this variant was assessed in the context of healthy population screening.

NM_001369.3(DNAH5):c.9823_9824insGATGTGTATAAGAGACAGT (p.Lys3275delinsArgCysValTer)

Gene: DNAH5 (dynein axonemal heavy chain 5; minus strand). Cytogenetic location: 5p15.2.
Variant type: Insertion.
Coding change: c.9823_9824insGATGTGTATAAGAGACAGT on transcript NM_001369.3 (MANE Select); coding-DNA positions 9823 to 9824, GATGTGTATAAGAGACAGT inserted.
Protein change: p.Lys3275delinsArgCysValTer.
Molecular consequence: nonsense.
Genome position: GRCh38 VCF-style: chr5-13769033-T-TACTGTCTCTTATACACATC. GRCh37 (hg19) VCF-style: chr5-13769142-T-TACTGTCTCTTATACACATC.
Identifiers: ClinVar variation 5011122 (VCV005011122.1).